The following is an entry in ClinVar:

NM_002109.6(HARS1):c.437_439dup (p.Asn146dup)

Gene: HARS1 (histidyl-tRNA synthetase 1; minus strand). Cytogenetic location: 5q31.3.
Variant type: Duplication.
Coding change: c.437_439dup on transcript NM_002109.6 (MANE Select); coding-DNA positions 437 to 439, 3 bases duplicated (ACA; older notation c.437_439dupACA).
Protein change: p.Asn146dup; duplicates asparagine 146.
Molecular consequence: inframe insertion. On other transcripts: intron variant (2).
Genome position (GRCh38, 1-based): chr5:140,679,085-140,679,087, TGT duplicated on the plus strand (ACA on the coding strand, the reverse complement: HARS1 is on the minus strand); duplicating any 3 consecutive bases within chr5:140,679,085-140,679,089 gives the same sequence; the c. name uses the placement nearest the transcript's 3' end. VCF-style (leftmost placement, unchanged base first): chr5-140679084-A-ATGT. GRCh37 (hg19) VCF-style: chr5-140058669-A-ATGT.
Other names: c.317_319dup, p.Asn106dup (NM_001258040.3, NM_001258042.3); c.437_439dup, p.Asn146dup (NM_001258041.3); c.350_352dup, p.Asn117dup (NM_001289094.2); c.181-1072_181-1070dup (NM_001289093.2); c.301-1072_301-1070dup (NM_001289092.2).
Identifiers: ClinVar variation 1680345 (VCV001680345.8), dbSNP rs755088410, ClinGen allele CA3444109.

ClinVar aggregate classification (germline): Conflicting classifications of pathogenicity. Review status: criteria provided, conflicting classifications (1 of 4 stars). 2 submissions from 2 submitters: Uncertain significance (1); Likely benign (1). Last evaluated 2025-03-31.

Conditions:
Usher syndrome type 3B. Also called: USHER SYNDROME, TYPE IIIB. Identifiers: MedGen C3281066, MONDO:0013788, OMIM 614504.

Submissions (2):

Labcorp Genetics (formerly Invitae), Labcorp
Classification: Uncertain significance for Usher syndrome type 3B. Last evaluated: 2025-03-31. Review status: criteria provided, single submitter. Criteria: Invitae Variant Classification Sherloc (09022015). Collection method: clinical testing. Allele origin: germline.
Comment: This variant, c.437_439dup, results in the insertion of 1 amino acid(s) of the HARS protein (p.Asn146dup), but otherwise preserves the integrity of the reading frame. This variant is present in population databases (rs755088410, gnomAD 0.02%). This variant has not been reported in the literature in individuals affected with HARS-related conditions. ClinVar contains an entry for this variant (Variation ID: 1680345). Experimental studies and prediction algorithms are not available or were not evaluated, and the functional significance of this variant is currently unknown. In summary, the available evidence is currently insufficient to determine the role of this variant in disease. Therefore, it has been classified as a Variant of Uncertain Significance.

Ambry Genetics
Classification: Likely benign. Last evaluated: 2021-07-02. Review status: criteria provided, single submitter. Criteria: Ambry Variant Classification Scheme 2023. Collection method: clinical testing. Allele origin: germline.